The following is an entry in ClinVar:

NM_018139.3(DNAAF2):c.843T>A (p.His281Gln)

Gene: DNAAF2 (dynein axonemal assembly factor 2; minus strand). Cytogenetic location: 14q21.3.
Variant type: single nucleotide variant.
Coding change: c.843T>A on transcript NM_018139.3 (MANE Select); coding-DNA position 843, T replaced by A.
Protein change: p.His281Gln; replaces histidine 281 with glutamine.
Molecular consequence: missense variant.
Genome position (GRCh38, 1-based): chr14:49,634,307, A>T on the plus strand (T>A on the coding strand, the complement: DNAAF2 is on the minus strand). VCF-style: chr14-49634307-A-T. GRCh37 (hg19) VCF-style: chr14-50101025-A-T.
Other names: c.843T>A, p.His281Gln (NM_001083908.2); short protein forms H281Q.
Identifiers: ClinVar variation 852203 (VCV000852203.10), dbSNP rs753291588, ClinGen allele CA7173012.
Genomic context (GRCh38, chr14:49,634,307, plus strand): 5'-CTCCAGCGCCGCCTGCTCGGCCGAGCGCAACAGCGGCAGTTCGATGGTGATCACCAGCTC[A>T]TGGGGCACGGGGCTCGGGGCTGAGTCCCTGGAGCAGCGGTAATCCTGGAGGTCCACGTGG-3'
Protein context (NP_060609.2, residues 271-291): SRDSAPSPVP[His281Gln]ELVITIELPL

ClinVar aggregate classification (germline): Uncertain significance. Review status: criteria provided, multiple submitters, no conflicts (2 of 4 stars). 3 submissions from 3 submitters: Uncertain significance (3). Last evaluated 2022-08-22.

Conditions:
Primary ciliary dyskinesia. Also called: Ciliary dyskinesia. Identifiers: Orphanet 244, MedGen C0008780, MONDO:0016575, HP:0012265.
Primary ciliary dyskinesia 10. Also called: CILIARY DYSKINESIA, PRIMARY, 10, WITH OR WITHOUT SITUS INVERSUS. Identifiers: Orphanet 244, MedGen C2675867, MONDO:0012918, OMIM 612518.

Allele frequency attached by ClinVar (database versions not stated): ExAC 0.00002; TOPMed 0.00005.

Submissions (3):

Ambry Genetics
Classification: Uncertain significance for Primary ciliary dyskinesia. Last evaluated: 2022-08-22. Review status: criteria provided, single submitter. Criteria: Ambry Variant Classification Scheme 2023. Collection method: clinical testing. Allele origin: germline.
Comment: The p.H281Q variant (also known as c.843T>A), located in coding exon 1 of the DNAAF2 gene, results from a T to A substitution at nucleotide position 843. The histidine at codon 281 is replaced by glutamine, an amino acid with highly similar properties. This amino acid position is conserved. In addition, this alteration is predicted to be tolerated by in silico analysis. Since supporting evidence is limited at this time, the clinical significance of this alteration remains unclear.

Department of Pathology and Laboratory Medicine, Sinai Health System
Classification: Uncertain significance for primary ciliary dyskinesia 10. Last evaluated: 2021-09-25. Review status: criteria provided, single submitter. Criteria: ACMG Guidelines, 2015. Collection method: research. Allele origin: germline.

Labcorp Genetics (formerly Invitae), Labcorp
Classification: Uncertain significance for Primary ciliary dyskinesia. Last evaluated: 2021-08-30. Review status: criteria provided, single submitter. Criteria: Invitae Variant Classification Sherloc (09022015). Collection method: clinical testing. Allele origin: germline.
Comment: This sequence change replaces histidine with glutamine at codon 281 of the DNAAF2 protein (p.His281Gln). The histidine residue is weakly conserved and there is a small physicochemical difference between histidine and glutamine. This variant is present in population databases (rs753291588, ExAC 0.01%). This variant has not been reported in the literature in individuals affected with DNAAF2-related conditions. Algorithms developed to predict the effect of missense changes on protein structure and function output the following: SIFT: "Tolerated"; PolyPhen-2: "Benign"; Align-GVGD: "Class C0". The glutamine amino acid residue is found in multiple mammalian species, which suggests that this missense change does not adversely affect protein function. Algorithms developed to predict the effect of sequence changes on RNA splicing suggest that this variant may create or strengthen a splice site. In summary, the available evidence is currently insufficient to determine the role of this variant in disease. Therefore, it has been classified as a Variant of Uncertain Significance.